The following is an entry in ClinVar:

ClinVar aggregate classification (germline): Uncertain significance (1 of 4 stars; one submission).

gnomAD v4.1: 3 of 1,614,074 alleles (0.00019%); highest among the groups gnomAD compares: Non-Finnish European, 0.00025%; no homozygotes.

Submission:

Labcorp Genetics (formerly Invitae), Labcorp
Classification: Uncertain significance. Last evaluated: 2024-04-03. Review status: criteria provided, single submitter. Criteria: Invitae Variant Classification Sherloc (09022015). Collection method: clinical testing. Allele origin: germline.
Comment: This sequence change replaces tryptophan, which is neutral and slightly polar, with arginine, which is basic and polar, at codon 255 of the NLRP1 protein (p.Trp255Arg). This variant is present in population databases (rs777492180, gnomAD 0.003%). This variant has not been reported in the literature in individuals affected with NLRP1-related conditions. An algorithm developed to predict the effect of missense changes on protein structure and function (PolyPhen-2) suggests that this variant is likely to be tolerated. In summary, the available evidence is currently insufficient to determine the role of this variant in disease. Therefore, it has been classified as a Variant of Uncertain Significance.

NM_033004.4(NLRP1):c.763T>C (p.Trp255Arg)

Gene: NLRP1 (NLR family pyrin domain containing 1; minus strand). Cytogenetic location: 17p13.2.
Variant type: single nucleotide variant.
Coding change: c.763T>C on transcript NM_033004.4 (MANE Select); coding-DNA position 763, T replaced by C.
Protein change: p.Trp255Arg; replaces tryptophan 255 with arginine.
Molecular consequence: missense variant.
Genome position (GRCh38, 1-based): chr17:5,559,933, A>G on the plus strand (T>C on the coding strand, the complement: NLRP1 is on the minus strand). VCF-style: chr17-5559933-A-G. GRCh37 (hg19) VCF-style: chr17-5463253-A-G.
Other names: c.763T>C, p.Trp255Arg (NM_001033053.3, NM_014922.5, NM_033006.4 and 1 more transcripts); short protein forms W255R.
Identifiers: ClinVar variation 3681642 (VCV003681642.2).
Genomic context (GRCh38, chr17:5,559,933, plus strand): 5'-TAAAATCCTCATTTTTCCAGGGCCATGTGGAACAGAGGCTCTCTCTCACAGAAGGCTCCC[A>G]TGGGTGGTGGTGGGGCTGTAGGCTGGTGTGCGCCTGTGGGGGCGTTCCTACCACCGCTGC-3'
Protein context (NP_127497.1, residues 245-265): HTSLQPHHHP[Trp255Arg]EPSVRESLCS